The following continues an entry in ClinVar:

NM_024675.4(PALB2):c.2167_2168del (p.Met723fs)

Gene: PALB2. ClinVar aggregate classification (germline): Pathogenic. Pathogenic (29).

Submissions 10 to 28 of 33:

Color Diagnostics, LLC DBA Color Health
Classification: Pathogenic for Hereditary cancer-predisposing syndrome. Last evaluated: 2024-02-13. Review status: criteria provided, single submitter. Criteria: ACMG Guidelines, 2015. Collection method: clinical testing. Allele origin: germline.
Comment: This variant deletes 2 nucleotides in exon 5 of the PALB2 gene, creating a frameshift and premature translation stop signal. This variant is expected to result in an absent or non-functional protein product. This variant has been reported in at least 20 individuals and families affected with breast and/or ovarian cancer (PMID: 24556926, 27624329, 31206626, 32566746) and has been reported to be associated with breast and/or cancer in the Hispanic population (OR 12.9, 95% CI 3.5 to 51.2) compared to ancestry-matched ExAC control individuals (PMID: 31206626), and also reported in a breast cancer case-control study in 12/16501 cases and absent in 5890 unaffected individuals (PMID: 32339256). Haplotype analysis suggests that this may be a founder mutation that arose independently in the Italian and Hispanic populations (PMID: 27624329). This variant also has been reported in individuals affected with ovarian and urothelial cancer (PMID: 24448499, 26315354, 31844177). This variant has been identified in 16/251488 chromosomes in the general population by the Genome Aggregation Database (gnomAD). Loss of PALB2 function is a known mechanism of disease. Based on the available evidence, this variant is classified as Pathogenic.

Baylor Genetics
Classification: Pathogenic for Familial cancer of breast. Last evaluated: 2023-12-14. Review status: criteria provided, single submitter. Criteria: ACMG Guidelines, 2015. Collection method: clinical testing. Allele origin: unknown.

Revvity Omics, Revvity
Classification: Pathogenic. Last evaluated: 2023-10-02. Review status: criteria provided, single submitter. Criteria: ACMG Guidelines, 2015. Collection method: clinical testing. Allele origin: germline.

KCCC/NGS Laboratory, Kuwait Cancer Control Center
Classification: Pathogenic for Breast-ovarian cancer, familial, susceptibility to, 5. Last evaluated: 2023-07-07. Review status: criteria provided, single submitter. Criteria: ACMG Guidelines, 2015. Collection method: clinical testing. Allele origin: unknown. Affected: yes.
Comment: This sequence change creates a premature translational stop signal (p.Met723Valfs*21) in the PALB2 gene. It is expected to result in an absent or disrupted protein product. Loss-of-function variants in PALB2 are known to be pathogenic (PMID: 17200668, 17200671, 17200672, 24136930, 25099575). This variant is present in population databases (rs587776416, gnomAD 0.04%). This premature translational stop signal has been observed in individual(s) with breast and ovarian cancer (PMID: 24448499, 24556926, 25099575). ClinVar has an entry for this variant (Variation ID: 136132) with 18 submissions. Therefore, this variant has been classified as Pathogenic.

Myriad Genetics, Inc.
Classification: Pathogenic for Familial cancer of breast. Last evaluated: 2023-03-31. Review status: criteria provided, single submitter. Criteria: Myriad Autosomal Dominant, Autosomal Recessive and X-Linked Classification Criteria (2023). Collection method: clinical testing. Allele origin: unknown.
Comment: This variant is considered pathogenic. This variant creates a frameshift predicted to result in premature protein truncation.

Clinical Genetics Laboratory, Skane University Hospital Lund
Classification: Pathogenic. Last evaluated: 2022-10-11. Review status: criteria provided, single submitter. Criteria: ACMG Guidelines, 2015. Collection method: clinical testing. Allele origin: germline. Affected: yes.

Laboratory for Molecular Medicine, Mass General Brigham Personalized Medicine
Classification: Pathogenic for Hereditary breast ovarian cancer syndrome. Last evaluated: 2022-08-26. Review status: criteria provided, single submitter. Criteria: ACMG Guidelines, 2015. Collection method: clinical testing. Allele origin: germline. Inheritance: Autosomal dominant inheritance.
Comment: The p.Met723fs variant in PALB2 has been reported in at least 9 individuals with hereditary breast cancer and in 1 individual with ovarian cancer (Antoniou 2014, Kanchi 2014, Catucci 2014, Catucci 2016) and segregated with disease in 9 affected relatives (including 2 with other PALB2-associated cancers) from 2 families (Catucci 2016). Additionally, this variant has been identified in 6/11578 of Latino chromosomes by the Exome Aggregation Consortium (ExAC; dbSNP rs587776416). The p.Met723fs variant is predicted to cause a frameshift, which alters the protein’s amino acid sequence beginning at position 723 and leads to a premature termination codon 21 amino acids downstream. This alteration is then predicted to lead to a truncated or absent protein. In summary, this variant meets criteria to be classified as pathogenic for hereditary breast cancer in an autosomal dominant manner based upon segregation studies and the predicted impact to the protein.

GeneDx
Classification: Pathogenic. Last evaluated: 2022-06-21. Review status: criteria provided, single submitter. Criteria: GeneDx Variant Classification Process June 2021. Collection method: clinical testing. Allele origin: germline. Affected: yes.
Comment: Frameshift variant predicted to result in protein truncation or nonsense mediated decay in a gene for which loss-of-function is a known mechanism of disease; This variant is associated with the following publications: (PMID: 30322717, 29945567, 26689913, 32339256, 32566746, 33193564, 25099575, 24556926, 26270727, 24448499, 26845104, 26315354, 28281021, 28724667, 28453507, 29752822, 27624329, 31206626, 31263054, 31447099, 30613976)

Fulgent Genetics
Classification: Pathogenic for Familial cancer of breast; Fanconi anemia complementation group N; Pancreatic cancer, susceptibility to, 3. Last evaluated: 2022-03-30. Review status: criteria provided, single submitter. Criteria: ACMG Guidelines, 2015. Collection method: clinical testing. Allele origin: unknown.

MGZ Medical Genetics Center
Classification: Pathogenic for Familial cancer of breast. Last evaluated: 2021-10-14. Review status: criteria provided, single submitter. Criteria: ACMG Guidelines, 2015. Collection method: clinical testing. Allele origin: germline. Affected: yes. Observed: 1 variant allele.
Comment: ACMG criteria applied: PVS1, PP1_STR, PM2_SUP

Department of Pathology and Laboratory Medicine, Sinai Health System
Classification: Pathogenic for Breast-ovarian cancer, familial, susceptibility to, 5. Last evaluated: 2021-02-17. Review status: criteria provided, single submitter. Criteria: ACMG Guidelines, 2015. Collection method: clinical testing. Allele origin: germline. Affected: yes.

Women's Health and Genetics/Laboratory Corporation of America, LabCorp
Classification: Pathogenic for Hereditary breast and ovarian cancer syndrome. Last evaluated: 2020-10-26. Review status: criteria provided, single submitter. Criteria: LabCorp Variant Classification Summary - May 2015. Collection method: clinical testing. Allele origin: germline.
Comment: Variant summary: PALB2 c.2167_2168delAT (p.Met723ValfsX21) results in a premature termination codon, predicted to cause a truncation of the encoded protein or absence of the protein due to nonsense mediated decay, which are commonly known mechanisms for disease. The variant allele was found at a frequency of 6.3e-05 in 253056 control chromosomes (gnomAD). This frequency is not significantly higher than expected for a pathogenic variant in PALB2 causing Hereditary Breast and Ovarian Cancer Syndrome (6.3e-05 vs 0.00016), allowing no conclusion about variant significance. c.2167_2168delAT has been reported in the literature in multiple individuals affected with Hereditary Breast and Ovarian Cancer Syndrome as well as other cancer types (example: Catucci_2014, Kanchi_2014, Antoniou_2014, Nassar_2020). These data indicate that the variant is very likely to be associated with disease. To our knowledge, no experimental evidence demonstrating an impact on protein function has been reported. Eleven ClinVar submitters (evaluation after 2014) cite the variant as pathogenic. Based on the evidence outlined above, the variant was classified as pathogenic.

Clinical Genetics and Genomics, Karolinska University Hospital
Classification: Pathogenic. Last evaluated: 2019-07-23. Review status: criteria provided, single submitter. Criteria: ACMG Guidelines, 2015. Collection method: clinical testing. Allele origin: germline. Affected: yes. Observed: 1 variant allele.

Cancer Genomics Group, Japanese Foundation For Cancer Research
Classification: Pathogenic for Hereditary breast and ovarian cancer syndrome. Last evaluated: 2019-05-01. Review status: criteria provided, single submitter. Criteria: ACMG Guidelines, 2015. Collection method: research. Allele origin: germline. Affected: yes.

Baylor Genetics
Classification: Pathogenic for Fanconi anemia complementation group N. Last evaluated: 2018-12-28. Review status: criteria provided, single submitter. Criteria: ACMG Guidelines, 2015. Collection method: clinical testing. Allele origin: unknown. Affected: yes.
Comment: This variant was determined to be pathogenic according to ACMG Guidelines, 2015 [PMID:25741868].

3DMed Clinical Laboratory Inc
Classification: Pathogenic for Neoplasm of the breast. Last evaluated: 2018-03-03. Review status: criteria provided, single submitter. Criteria: ACMG Guidelines, 2015. Collection method: clinical testing. Allele origin: germline. Affected: yes.

3DMed Clinical Laboratory Inc
Classification: Pathogenic for Cancer of the pancreas. Last evaluated: 2018-03-03. Review status: criteria provided, single submitter. Criteria: ACMG Guidelines, 2015. Collection method: clinical testing. Allele origin: germline. Affected: yes.

University of Washington Department of Laboratory Medicine, University of Washington
Classification: Pathogenic for Hereditary cancer-predisposing syndrome. Last evaluated: 2015-11-20. Review status: criteria provided, single submitter. Criteria: Shirts et al. (Genet Med 2016). Collection method: clinical testing. Allele origin: germline. Affected: yes. Observed: 1 variant allele.

Juno Genomics, Hangzhou Juno Genomics, Inc
Classification: Pathogenic for Breast-ovarian cancer, familial, susceptibility to, 5; Pancreatic cancer, susceptibility to, 3; Fanconi anemia complementation group N. Review status: criteria provided, single submitter. Criteria: ACMG Guidelines, 2015. Collection method: clinical testing. Allele origin: germline.
Comment: Absent from controls (or at extremely low frequency if recessive) in Genome Aggregation Database.;Null variant in a gene where loss of function (LOF) is a known mechanism of disease.;The prevalence of the variant in affected individuals is significantly increased compared to the prevalence in controls.;Co-segregation with disease in multiple affected family members.